The following is an entry in ClinVar:

ClinVar aggregate classification (germline): Uncertain significance (1 of 4 stars; one submission).

gnomAD v4.1: 4 of 1,614,120 alleles (0.00025%); highest among the groups gnomAD compares: Non-Finnish European, 0.00017%; no homozygotes.

Submission:

Labcorp Genetics (formerly Invitae), Labcorp
Classification: Uncertain significance. Last evaluated: 2025-10-21. Review status: criteria provided, single submitter. Criteria: Invitae Variant Classification Sherloc (09022015). Collection method: clinical testing. Allele origin: germline.
Comment: This sequence change replaces glutamic acid, which is acidic and polar, with lysine, which is basic and polar, at codon 3110 of the RNF213 protein (p.Glu3110Lys). This variant is not present in population databases (gnomAD no frequency). This variant has not been reported in the literature in individuals affected with RNF213-related conditions. Invitae Evidence Modeling of protein sequence and biophysical properties (such as structural, functional, and spatial information, amino acid conservation, physicochemical variation, residue mobility, and thermodynamic stability) indicates that this missense variant is not expected to disrupt RNF213 protein function with a negative predictive value of 95%. In summary, the available evidence is currently insufficient to determine the role of this variant in disease. Therefore, it has been classified as a Variant of Uncertain Significance.

NM_001256071.3(RNF213):c.9328G>A (p.Glu3110Lys)

Gene: RNF213 (ring finger protein 213; plus strand). Cytogenetic location: 17q25.3.
Variant type: single nucleotide variant.
Coding change: c.9328G>A on transcript NM_001256071.3 (MANE Select); coding-DNA position 9328, G replaced by A.
Protein change: p.Glu3110Lys; replaces glutamic acid 3110 with lysine.
Molecular consequence: missense variant.
Genome position (GRCh38, 1-based): chr17:80,347,663, G>A. VCF-style: chr17-80347663-G-A. GRCh37 (hg19) VCF-style: chr17-78321463-G-A.
Other names: c.9475G>A, p.Glu3159Lys (NM_001410195.1, NM_020914.5); short protein forms E3110K, E3159K.
Identifiers: ClinVar variation 4777307 (VCV004777307.1).